The following is an entry in ClinVar:

ClinVar aggregate classification (germline): Uncertain significance (1 of 4 stars; one submission).

Conditions:
Adenylosuccinate lyase deficiency (ADSLD). Also called: ADSL DEFICIENCY. Identifiers: Orphanet 46, MedGen C0268126, MONDO:0007068, OMIM 103050.

Submission:

Labcorp Genetics (formerly Invitae), Labcorp
Classification: Uncertain significance for Adenylosuccinate lyase deficiency. Last evaluated: 2022-07-26. Review status: criteria provided, single submitter. Criteria: Invitae Variant Classification Sherloc (09022015). Collection method: clinical testing. Allele origin: germline.
Comment: This variant is not present in population databases (gnomAD no frequency). This sequence change replaces leucine, which is neutral and non-polar, with isoleucine, which is neutral and non-polar, at codon 469 of the ADSL protein (p.Leu469Ile). This variant has not been reported in the literature in individuals affected with ADSL-related conditions. In summary, the available evidence is currently insufficient to determine the role of this variant in disease. Therefore, it has been classified as a Variant of Uncertain Significance. Algorithms developed to predict the effect of missense changes on protein structure and function (SIFT, PolyPhen-2, Align-GVGD) all suggest that this variant is likely to be tolerated. ClinVar contains an entry for this variant (Variation ID: 529213).

NM_000026.4(ADSL):c.1405T>A (p.Leu469Ile)

Gene: ADSL (adenylosuccinate lyase; plus strand). Cytogenetic location: 22q13.1.
Variant type: single nucleotide variant.
Coding change: c.1405T>A on transcript NM_000026.4 (MANE Select); coding-DNA position 1405, T replaced by A.
Protein change: p.Leu469Ile; replaces leucine 469 with isoleucine.
Molecular consequence: missense variant. On other transcripts: non-coding transcript variant (1).
Genome position (GRCh38, 1-based): chr22:40,366,472, T>A. VCF-style: chr22-40366472-T-A. GRCh37 (hg19) VCF-style: chr22-40762476-T-A.
Other names: c.1228T>A, p.Leu410Ile (NM_001123378.3); c.1213T>A, p.Leu405Ile (NM_001317923.2); c.1405T>A, p.Leu469Ile (NM_001363840.3); short protein forms L469I, L405I, L410I.
Identifiers: ClinVar variation 529213 (VCV000529213.8), dbSNP rs768999974, ClinGen allele CA411649238.